The following is an entry in ClinVar:

ClinVar aggregate classification (germline): Conflicting classifications of pathogenicity. Review status: criteria provided, conflicting classifications (1 of 4 stars). 3 submissions from 3 submitters: Uncertain significance (1); Likely benign (2). Last evaluated 2026-05-13.

Conditions:
Juvenile myelomonocytic leukemia (JMML). Also called: LEUKEMIA, JUVENILE MYELOMONOCYTIC, SOMATIC. Identifiers: Orphanet 86834, MedGen C0349639, MONDO:0011908, OMIM 607785, HP:0012209.
Neurofibromatosis-Noonan syndrome (NFNS). Also called: NEUROFIBROMATOSIS WITH NOONAN PHENOTYPE. Identifiers: Orphanet 638, MedGen C2931482, MONDO:0011035, OMIM 601321. Disease mechanism: loss of function.
Neurofibromatosis, familial spinal (FSNF). Identifiers: Orphanet 636, MedGen C1834235, MONDO:0008078, OMIM 162210. Disease mechanism: loss of function.
Neurofibromatosis, type 1 (NF1). Also called: VON RECKLINGHAUSEN DISEASE; Neurofibromatosis, type I; NEUROFIBROMATOSIS, TYPE I, SOMATIC; Peripheral type neurofibromatosis. Identifiers: Orphanet 636, MedGen C0027831, MONDO:0018975, OMIM 162200. Disease mechanism: loss of function.
Café-au-lait macules with pulmonary stenosis (WTSN). Also called: PULMONIC STENOSIS WITH CAFE-AU-LAIT SPOTS. Identifiers: MedGen C0553586, MONDO:0008672, OMIM 193520.

Submissions (3):

Myriad Genetics, Inc.
Classification: Likely benign for Neurofibromatosis, type 1. Last evaluated: 2026-05-13. Review status: criteria provided, single submitter. Criteria: Myriad Autosomal Dominant, Autosomal Recessive and X-Linked Classification Criteria (2023). Collection method: clinical testing. Allele origin: unknown.
Comment: This variant is considered likely benign. This variant is intronic and is not expected to impact mRNA splicing.

Fulgent Genetics
Classification: Uncertain significance for Neurofibromatosis, type 1; Neurofibromatosis, familial spinal; Café-au-lait macules with pulmonary stenosis; Neurofibromatosis-Noonan syndrome; Juvenile myelomonocytic leukemia. Last evaluated: 2024-04-28. Review status: criteria provided, single submitter. Criteria: ACMG Guidelines, 2015. Collection method: clinical testing. Allele origin: germline.

Labcorp Genetics (formerly Invitae), Labcorp
Classification: Likely benign for Neurofibromatosis, type 1. Last evaluated: 2022-03-11. Review status: criteria provided, single submitter. Criteria: Invitae Variant Classification Sherloc (09022015). Collection method: clinical testing. Allele origin: germline.

NM_001042492.3(NF1):c.6643-12C>T

Gene: NF1 (neurofibromin 1; plus strand). Cytogenetic location: 17q11.2.
Variant type: single nucleotide variant.
Coding change: c.6643-12C>T on transcript NM_001042492.3 (MANE Select); 12 bases into the intron before coding-DNA position 6643, C replaced by T.
Molecular consequence: intron variant.
Genome position (GRCh38, 1-based): chr17:31,337,807, C>T. VCF-style: chr17-31337807-C-T. GRCh37 (hg19) VCF-style: chr17-29664825-C-T.
Other names: c.6580-12C>T (NM_000267.4).
Identifiers: ClinVar variation 1547522 (VCV001547522.10), dbSNP rs2151557324, ClinGen allele CA2573153848.
Genomic context (GRCh38, chr17:31,337,807, plus strand): 5'-ATAATAAACATTATTTAAACAGTTCTAAAAACATTTATGTACAATATGTATTCAGAGTAT[C>T]CCCTTTTTTAGGCATGCATGAGAGATATTCCAACGTGCAAGTGGCTGGACCAGTGGACAG-3'